The following is an entry in ClinVar:

ClinVar aggregate classification (germline): Uncertain significance (1 of 4 stars; one submission).

Conditions:
Inborn genetic diseases. Identifiers: MedGen C0950123, MeSH D030342.

Submission:

Ambry Genetics
Classification: Uncertain significance for Inborn genetic diseases. Last evaluated: 2026-07-02. Review status: criteria provided, single submitter. Criteria: Ambry Variant Classification Scheme 2023. Collection method: clinical testing. Allele origin: germline.
Comment: The p.P401T variant (also known as c.1201C>A), located in coding exon 8 of the RUNX1 gene, results from a C to A substitution at nucleotide position 1201. The proline at codon 401 is replaced by threonine, an amino acid with highly similar properties. This amino acid position is conserved. In addition, this alteration is predicted to be tolerated by in silico analysis. Based on the available evidence, the clinical significance of this variant remains unclear.

NM_001754.5(RUNX1):c.1201C>A (p.Pro401Thr)

Gene: RUNX1 (RUNX family transcription factor 1; minus strand). Cytogenetic location: 21q22.12.
Variant type: single nucleotide variant.
Coding change: c.1201C>A on transcript NM_001754.5 (MANE Select); coding-DNA position 1201, C replaced by A.
Protein change: p.Pro401Thr; replaces proline 401 with threonine.
Molecular consequence: missense variant.
Genome position (GRCh38, 1-based): chr21:34,792,377, G>T on the plus strand (C>A on the coding strand, the complement: RUNX1 is on the minus strand). VCF-style: chr21-34792377-G-T. GRCh37 (hg19) VCF-style: chr21-36164674-G-T.
Other names: c.1120C>A, p.Pro374Thr (NM_001001890.3); short protein forms P374T, P401T.
Identifiers: ClinVar variation 5028561 (VCV005028561.1).
Genomic context (GRCh38, chr21:34,792,377, plus strand): 5'-CGCCCACCATGGAGAACTGGTAGGAGCCGGCCGAGGCGCCGTAGTACAGGTGGTAGGAGG[G>T]CGAGCTGGCTTGGAACGGGCCTCCCTGCGCTTGCGACGAGCCGGGGTAGGGCGGCGGCAG-3'
Protein context (NP_001745.2, residues 391-411): AQGGPFQASS[Pro401Thr]SYHLYYGASA